The following is an entry in ClinVar:

ClinVar aggregate classification (germline): Uncertain significance. Review status: criteria provided, multiple submitters, no conflicts (2 of 4 stars). 3 submissions from 3 submitters: Uncertain significance (3). Last evaluated 2025-08-04.

Conditions:
Inborn genetic diseases. Identifiers: MedGen C0950123, MeSH D030342.

Allele frequency attached by ClinVar (database versions not stated): gnomAD 0.00006; ESP Exome Variant Server 0.00008.
gnomAD v4.1: 165 of 1,613,842 alleles (0.01%); highest among the groups gnomAD compares: Non-Finnish European, 0.013%; no homozygotes.

Submissions (3):

Ambry Genetics
Classification: Uncertain significance for Inborn genetic diseases. Last evaluated: 2025-08-04. Review status: criteria provided, single submitter. Criteria: Ambry Variant Classification Scheme 2023. Collection method: clinical testing. Allele origin: germline.

Labcorp Genetics (formerly Invitae), Labcorp
Classification: Uncertain significance. Last evaluated: 2025-04-07. Review status: criteria provided, single submitter. Criteria: Invitae Variant Classification Sherloc (09022015). Collection method: clinical testing. Allele origin: germline.
Comment: This sequence change replaces arginine, which is basic and polar, with glutamine, which is neutral and polar, at codon 536 of the BNC2 protein (p.Arg536Gln). This variant is present in population databases (rs376354558, gnomAD 0.02%). This variant has not been reported in the literature in individuals affected with BNC2-related conditions. ClinVar contains an entry for this variant (Variation ID: 2054265). An algorithm developed to predict the effect of missense changes on protein structure and function (PolyPhen-2) suggests that this variant is likely to be disruptive. In summary, the available evidence is currently insufficient to determine the role of this variant in disease. Therefore, it has been classified as a Variant of Uncertain Significance.

CeGaT Center for Human Genetics Tuebingen
Classification: Uncertain significance. Last evaluated: 2022-11-01. Review status: criteria provided, single submitter. Criteria: CeGaT Center For Human Genetics Tuebingen Variant Classification Criteria Version 2. Collection method: clinical testing. Allele origin: germline. Affected: yes. Observed: 1 variant allele.

NM_017637.6(BNC2):c.1607G>A (p.Arg536Gln)

Gene: BNC2 (basonuclin zinc finger protein 2; minus strand). Cytogenetic location: 9p22.3.
Variant type: single nucleotide variant.
Coding change: c.1607G>A on transcript NM_017637.6 (MANE Select); coding-DNA position 1607, G replaced by A.
Protein change: p.Arg536Gln; replaces arginine 536 with glutamine.
Molecular consequence: missense variant.
Genome position (GRCh38, 1-based): chr9:16,436,587, C>T on the plus strand (G>A on the coding strand, the complement: BNC2 is on the minus strand). VCF-style: chr9-16436587-C-T. GRCh37 (hg19) VCF-style: chr9-16436585-C-T.
Other names: c.1481G>A, p.Arg494Gln (NM_001317939.2); c.1322G>A, p.Arg441Gln (NM_001317940.2); short protein forms R536Q, R441Q, R494Q.
Identifiers: ClinVar variation 2054265 (VCV002054265.30), dbSNP rs376354558, ClinGen allele CA4996048.
Genomic context (GRCh38, chr9:16,436,587, plus strand): 5'-CTAGGGAGAGGATTTTGCAAGACAGGGTCTAGAGGGGGAGTGGTAAAACCCATTGGGGGT[C>T]GGCCAGGGCTTGTGAGTGCCAGATTTGATTTTGTACTTGCTATGACAGGGGTGGCAGCTC-3'
Protein context (NP_060107.3, residues 526-546): KSNLALTSPG[Arg536Gln]PPMGFTTPPL